The following is an entry in ClinVar:

ClinVar aggregate classification (germline): Conflicting classifications of pathogenicity. Review status: criteria provided, conflicting classifications (1 of 4 stars). 4 submissions from 4 submitters: Uncertain significance (2); Benign (1); Likely benign (1). Last evaluated 2025-02-24.

Conditions:
Koolen-de Vries syndrome (KDVS). Identifiers: Orphanet 96169, MedGen C1864871, MONDO:0012496, OMIM 610443.
KANSL1-related disorder. Also called: KANSL1-related condition.

Allele frequency attached by ClinVar (database versions not stated): gnomAD 0.00001; gnomAD exomes 0.00001 and 0.00003.
gnomAD v4.1: 40 of 1,612,798 alleles (0.0025%); highest among the groups gnomAD compares: Non-Finnish European, 0.0033%; no homozygotes.

Submissions (4):

Labcorp Genetics (formerly Invitae), Labcorp
Classification: Benign for Koolen-de Vries syndrome. Last evaluated: 2025-02-24. Review status: criteria provided, single submitter. Criteria: Invitae Variant Classification Sherloc (09022015). Collection method: clinical testing. Allele origin: germline.

PreventionGenetics, part of Exact Sciences
Classification: Uncertain significance for KANSL1-related condition. Last evaluated: 2023-08-03. Review status: criteria provided, single submitter. Criteria: ACMG Guidelines, 2015. Collection method: clinical testing. Allele origin: germline.
Comment: The KANSL1 c.2194A>G variant is predicted to result in the amino acid substitution p.Thr732Ala. To our knowledge, this variant has not been reported in the literature. This variant is reported in 0.0023% of alleles in individuals of European (Non-Finnish) descent in gnomAD. At this time, the clinical significance of this variant is uncertain due to the absence of conclusive functional and genetic evidence.

Revvity Omics, Revvity
Classification: Uncertain significance for Koolen-de Vries syndrome. Last evaluated: 2019-12-11. Review status: criteria provided, single submitter. Criteria: ACMG Guidelines, 2015. Collection method: clinical testing. Allele origin: germline.

GeneDx
Classification: Likely benign. Last evaluated: 2017-12-19. Review status: criteria provided, single submitter. Criteria: GeneDx Variant Classification (06012015). Collection method: clinical testing. Allele origin: germline. Affected: yes.
Comment: This variant is considered likely benign or benign based on one or more of the following criteria: it is a conservative change, it occurs at a poorly conserved position in the protein, it is predicted to be benign by multiple in silico algorithms, and/or has population frequency not consistent with disease.

NM_015443.4(KANSL1):c.2194A>G (p.Thr732Ala)

Gene: KANSL1 (KAT8 regulatory NSL complex subunit 1). Cytogenetic location: 17q21.31.
Variant type: single nucleotide variant.
Coding change: c.2194A>G on transcript NM_015443.4 (MANE Select); coding-DNA position 2194, A replaced by G.
Protein change: p.Thr732Ala; replaces threonine 732 with alanine.
Molecular consequence: missense variant.
Genome position (GRCh38, 1-based): chr17:46,039,711, T>C on the plus strand (A>G on the coding strand, the complement: KANSL1 is on the minus strand). VCF-style: chr17-46039711-T-C. GRCh37 (hg19) VCF-style: chr17-44117077-T-C.
Other names: c.2194A>G, p.Thr732Ala (NM_001193465.2, NM_001193466.2, NM_001379198.1); short protein forms T732A.
Identifiers: ClinVar variation 514141 (VCV000514141.12), dbSNP rs1036089094, ClinGen allele CA291108322.